The following is an entry in ClinVar:

ClinVar aggregate classification (germline): Uncertain significance. Review status: criteria provided, multiple submitters, no conflicts (2 of 4 stars). 2 submissions from 2 submitters: Uncertain significance (2). Last evaluated 2026-08-06.

Conditions:
X-linked lissencephaly with abnormal genitalia. Identifiers: Orphanet 452, MedGen C1846171, MONDO:0010268, OMIM 300215.

gnomAD v4.1: 1 of 1,203,859 alleles (0.000083%); highest among the groups gnomAD compares: Non-Finnish European, 0.00011%; no homozygotes.

Submissions (2):

OLLIN Analises Genomicas, OLLIN
Classification: Uncertain significance for X-linked lissencephaly with abnormal genitalia. Last evaluated: 2026-08-06. Review status: criteria provided, single submitter. Criteria: ACMG Guidelines 2015 PMID 25741868. Collection method: clinical testing. Allele origin: germline.
Comment: This missense variant, located in exon 1 (of 5), has been observed in gnomAD with an allele frequency of 0.000062%, but has not been reported in ClinVar or identified in the literature. In silico analysis is inconclusive regarding the impact of this variant. According to the currently available evidence, this variant has been classified as uncertain significance (PM2_P).

Dasa
Classification: Uncertain significance. Last evaluated: 2026-04-01. Review status: criteria provided, single submitter. Criteria: DASA Assertion Criteria. Collection method: clinical testing. Allele origin: germline.
Comment: NM_139058.3(ARX):c.43G>A (p.Glu15Lys) is a missense variant that results in the substitution of glutamic acid with lysine. This variant is rare in population databases. The currently available literature and clinical evidence are not sufficient to establish a definitive association between this variant and the reported condition. Therefore, this variant is classified as a variant of uncertain significance.

NM_139058.3(ARX):c.43G>A (p.Glu15Lys)

Gene: ARX (aristaless related homeobox; minus strand). Cytogenetic location: Xp21.3.
Variant type: single nucleotide variant.
Coding change: c.43G>A on transcript NM_139058.3 (MANE Select); coding-DNA position 43, G replaced by A.
Protein change: p.Glu15Lys; replaces glutamic acid 15 with lysine.
Molecular consequence: missense variant.
Genome position (GRCh38, 1-based): chrX:25,015,695, C>T on the plus strand (G>A on the coding strand, the complement: ARX is on the minus strand). VCF-style: chrX-25015695-C-T. GRCh37 (hg19) VCF-style: chrX-25033812-C-T.
Other names: short protein forms E15K.
Identifiers: ClinVar variation 4882236 (VCV004882236.3).